The following is an entry in ClinVar:

NM_005612.5(REST):c.3284G>A (p.Gly1095Glu)

Gene: REST (RE1 silencing transcription factor; plus strand). Cytogenetic location: 4q12.
Variant type: single nucleotide variant.
Coding change: c.3284G>A on transcript NM_005612.5 (MANE Select); coding-DNA position 3284, G replaced by A.
Protein change: p.Gly1095Glu; replaces glycine 1095 with glutamic acid.
Molecular consequence: missense variant.
Genome position (GRCh38, 1-based): chr4:56,932,142, G>A. VCF-style: chr4-56932142-G-A. GRCh37 (hg19) VCF-style: chr4-57798308-G-A.
Other names: c.3284G>A, p.Gly1095Glu (NM_001193508.2, NM_001363453.3); short protein forms G1095E.
Identifiers: ClinVar variation 2996586 (VCV002996586.3), dbSNP rs922903250, ClinGen allele CA97637660.

ClinVar aggregate classification (germline): Uncertain significance (1 of 4 stars; one submission).

Allele frequency attached by ClinVar (database versions not stated): gnomAD 0.00001; TOPMed 0.00001.
gnomAD v4.1: 3 of 1,600,054 alleles (0.00019%); highest among the groups gnomAD compares: African/African-American, 0.0027%; no homozygotes.

Submission:

Labcorp Genetics (formerly Invitae), Labcorp
Classification: Uncertain significance. Last evaluated: 2023-10-18. Review status: criteria provided, single submitter. Criteria: Invitae Variant Classification Sherloc (09022015). Collection method: clinical testing. Allele origin: germline.
Comment: This sequence change replaces glycine, which is neutral and non-polar, with glutamic acid, which is acidic and polar, at codon 1095 of the REST protein (p.Gly1095Glu). This variant is not present in population databases (gnomAD no frequency). This variant has not been reported in the literature in individuals affected with REST-related conditions. Algorithms developed to predict the effect of missense changes on protein structure and function output the following: SIFT: "Not Available"; PolyPhen-2: "Benign"; Align-GVGD: "Not Available". The glutamic acid amino acid residue is found in multiple mammalian species, which suggests that this missense change does not adversely affect protein function. In summary, the available evidence is currently insufficient to determine the role of this variant in disease. Therefore, it has been classified as a Variant of Uncertain Significance.